The following is an entry in ClinVar:

ClinVar aggregate classification (germline): Conflicting classifications of pathogenicity. Review status: criteria provided, conflicting classifications (1 of 4 stars). 3 submissions from 3 submitters: Uncertain significance (2); Likely benign (1). Last evaluated 2023-03-23.

Conditions:
Hereditary breast ovarian cancer syndrome. Also called: Hereditary breast and ovarian cancer; Hereditary breast and ovarian cancer syndrome (HBOC); Breast and ovarian cancer; Hereditary breast and ovarian cancer syndrome; BRCA1- and BRCA2-Associated Hereditary Breast and Ovarian Cancer; Hereditary breast and/or ovarian cancer syndrome. Identifiers: Orphanet 145, MedGen C0677776, MeSH D061325, MONDO:0003582. Disease mechanism: loss of function.
Hereditary cancer-predisposing syndrome. Also called: Tumor predisposition; Neoplastic Syndromes, Hereditary; Hereditary neoplastic syndrome; Hereditary Cancer Syndrome. Identifiers: Orphanet 140162, MedGen C0027672, MeSH D009386, MONDO:0015356.

Submissions (3):

University of Washington Department of Laboratory Medicine, University of Washington
Classification: Likely benign for Hereditary cancer-predisposing syndrome. Last evaluated: 2023-03-23. Review status: criteria provided, single submitter. Criteria: Dines et al. (Genet Med. 2020). Collection method: curation. Allele origin: germline.
Comment: Missense variant in a coldspot region where missense variants are very unlikely to be pathogenic (PMID:31911673).

BRCA1 coldspot (exon 11 using historical exon numbering). Reclassification based on statistical prior probability

Labcorp Genetics (formerly Invitae), Labcorp
Classification: Uncertain significance for Hereditary breast ovarian cancer syndrome. Last evaluated: 2020-10-08. Review status: criteria provided, single submitter. Criteria: Invitae Variant Classification Sherloc (09022015). Collection method: clinical testing. Allele origin: germline.
Comment: This variant is not present in population databases (ExAC no frequency). In summary, the available evidence is currently insufficient to determine the role of this variant in disease. Therefore, it has been classified as a Variant of Uncertain Significance. Advanced modeling of protein sequence and biophysical properties (such as structural, functional, and spatial information, amino acid conservation, physicochemical variation, residue mobility, and thermodynamic stability) performed at Invitae indicates that this missense variant is not expected to disrupt BRCA1 protein function. This variant has not been reported in the literature in individuals with BRCA1-related conditions. ClinVar contains an entry for this variant (Variation ID: 633089). This sequence change replaces valine with methionine at codon 802 of the BRCA1 protein (p.Val802Met). The valine residue is weakly conserved and there is a small physicochemical difference between valine and methionine.

Women's Health and Genetics/Laboratory Corporation of America, LabCorp
Classification: Uncertain significance. Last evaluated: 2018-03-19. Review status: criteria provided, single submitter. Criteria: LabCorp Variant Classification Summary - May 2015. Collection method: clinical testing. Allele origin: germline.
Comment: Variant summary: BRCA1 c.2404G>A (p.Val802Met) results in a conservative amino acid change in the encoded protein sequence. The variant located outside of any known functional domain or repeat and five of five in-silico tools predict a benign effect of the variant on protein function. The variant was absent in 30968 control chromosomes. The available data on variant occurrences in the general population are insufficient to allow any conclusion about variant significance. To our knowledge, no occurrence of c.2404G>A in individuals affected with Hereditary Breast and Ovarian Cancer and no experimental evidence demonstrating its impact on protein function have been reported. No clinical diagnostic laboratories have submitted clinical-significance assessments for this variant to ClinVar after 2014. Based on the evidence outlined above, the variant was classified as uncertain significance.

NM_007294.4(BRCA1):c.2404G>A (p.Val802Met)

Gene: BRCA1 (BRCA1 DNA repair associated; minus strand). Cytogenetic location: 17q21.31.
Variant type: single nucleotide variant.
Coding change: c.2404G>A on transcript NM_007294.4 (MANE Select); coding-DNA position 2404, G replaced by A.
Protein change: p.Val802Met; replaces valine 802 with methionine.
Molecular consequence: missense variant. On other transcripts: intron variant (137).
Genome position (GRCh38, 1-based): chr17:43,093,127, C>T on the plus strand (G>A on the coding strand, the complement: BRCA1 is on the minus strand). VCF-style: chr17-43093127-C-T. GRCh37 (hg19) VCF-style: chr17-41245144-C-T.
Other names: c.2194G>A, p.Val732Met (NM_001407900.1, NM_001407902.1, NM_001407904.1 and 13 more transcripts); c.2191G>A, p.Val731Met (NM_001407915.1, NM_001407916.1, NM_001407917.1 and 9 more transcripts); c.2281G>A, p.Val761Met (NM_001407919.1, NM_001407937.1, NM_001407938.1 and 19 more transcripts); c.2140G>A, p.Val714Met (NM_001407920.1, NM_001407921.1, NM_001407922.1 and 9 more transcripts); c.2137G>A, p.Val713Met (NM_001407930.1, NM_001407931.1, NM_001407932.1 and 2 more transcripts); c.2278G>A, p.Val760Met (NM_001407940.1, NM_001407941.1, NM_001407649.1 and 11 more transcripts); c.2263G>A, p.Val755Met (NM_001407942.1, NM_001407944.1, NM_001407945.1 and 29 more transcripts); c.2260G>A, p.Val754Met (NM_001407943.1, NM_001407964.1, NM_001407740.1 and 20 more transcripts); and 41 more; short protein forms V802M, V755M, V506M, V731M, V732M, V754M, V761M, V634M.
Identifiers: ClinVar variation 633089 (VCV000633089.13), dbSNP rs876660885, ClinGen allele CA10597201.